The following is an entry in ClinVar:

NM_001903.5(CTNNA1):c.592T>C (p.Leu198=)

Gene: CTNNA1 (catenin alpha 1; plus strand). Cytogenetic location: 5q31.2.
Variant type: single nucleotide variant.
Coding change: c.592T>C on transcript NM_001903.5 (MANE Select); coding-DNA position 592, T replaced by C.
Protein change: p.Leu198=; no amino-acid change (leucine 198 retained).
Molecular consequence: synonymous variant.
Genome position (GRCh38, 1-based): chr5:138,824,533, T>C. VCF-style: chr5-138824533-T-C. GRCh37 (hg19) VCF-style: chr5-138160222-T-C.
Other names: c.592T>C, p.Leu198= (NM_001290307.3, NM_001323982.2, NM_001323983.1 and 3 more transcripts); c.283T>C, p.Leu95= (NM_001290309.3); c.223T>C, p.Leu75= (NM_001290310.3).
Identifiers: ClinVar variation 1642125 (VCV001642125.9), dbSNP rs2149775422, ClinGen allele CA446594118.

ClinVar aggregate classification (germline): Benign/Likely benign. Review status: criteria provided, multiple submitters, no conflicts (2 of 4 stars). 2 submissions from 2 submitters: Benign (1); Likely benign (1). Last evaluated 2024-10-10.

Conditions:
Hereditary diffuse gastric adenocarcinoma (HDGC). Also called: DIFFUSE GASTRIC AND LOBULAR BREAST CANCER SYNDROME. Identifiers: Orphanet 26106, MedGen C1708349, MONDO:0007648, OMIM 137215.

Submissions (2):

Myriad Genetics, Inc.
Classification: Benign for Hereditary diffuse gastric adenocarcinoma. Last evaluated: 2024-10-10. Review status: criteria provided, single submitter. Criteria: Myriad Autosomal Dominant, Autosomal Recessive and X-Linked Classification Criteria (2023). Collection method: clinical testing. Allele origin: unknown.
Comment: This variant is considered benign. This variant is a silent/synonymous amino acid change and it is not expected to impact splicing.

Labcorp Genetics (formerly Invitae), Labcorp
Classification: Likely benign. Last evaluated: 2022-07-26. Review status: criteria provided, single submitter. Criteria: Invitae Variant Classification Sherloc (09022015). Collection method: clinical testing. Allele origin: germline.